The following is an entry in ClinVar:

ClinVar aggregate classification (germline): Uncertain significance (1 of 4 stars; one submission).

gnomAD v4.1: 11 of 1,614,130 alleles (0.00068%); highest among the groups gnomAD compares: Admixed American, 0.0017%; no homozygotes.

Submission:

CeGaT Center for Human Genetics Tuebingen
Classification: Uncertain significance. Last evaluated: 2026-01-01. Review status: criteria provided, single submitter. Criteria: CeGaT Center For Human Genetics Tuebingen Variant Classification Criteria Version 2. Collection method: clinical testing. Allele origin: germline. Affected: yes. Observed: 1 variant allele.
Comment: CYB5R3: PM2

NM_000398.7(CYB5R3):c.656G>A (p.Arg219Gln)

Gene: CYB5R3 (cytochrome b5 reductase 3; minus strand). Cytogenetic location: 22q13.2.
Variant type: single nucleotide variant.
Coding change: c.656G>A on transcript NM_000398.7 (MANE Select); coding-DNA position 656, G replaced by A.
Protein change: p.Arg219Gln; replaces arginine 219 with glutamine.
Molecular consequence: missense variant.
Genome position (GRCh38, 1-based): chr22:42,623,866, C>T on the plus strand (G>A on the coding strand, the complement: CYB5R3 is on the minus strand). VCF-style: chr22-42623866-C-T. GRCh37 (hg19) VCF-style: chr22-43019872-C-T.
Other names: c.587G>A, p.Arg196Gln (NM_001129819.2, NM_001171661.1, NM_007326.4); c.755G>A, p.Arg252Gln (NM_001171660.2); short protein forms R196Q, R219Q, R252Q.
Identifiers: ClinVar variation 4821758 (VCV004821758.4).